The following is an entry in ClinVar:

NM_002444.3(MSN):c.1507C>T (p.Arg503Cys)

Gene: MSN (moesin; plus strand). Cytogenetic location: Xq12.
Variant type: single nucleotide variant.
Coding change: c.1507C>T on transcript NM_002444.3 (MANE Select); coding-DNA position 1507, C replaced by T.
Protein change: p.Arg503Cys; replaces arginine 503 with cysteine.
Molecular consequence: missense variant.
Genome position (GRCh38, 1-based): chrX:65,739,132, C>T. VCF-style: chrX-65739132-C-T. GRCh37 (hg19) VCF-style: chrX-64958994-C-T.
Other names: short protein forms R503C.
Identifiers: ClinVar variation 2823794 (VCV002823794.3), dbSNP rs2523022916, ClinGen allele CA413414222.

ClinVar aggregate classification (germline): Uncertain significance (1 of 4 stars; one submission).

Allele frequency attached by ClinVar (database versions not stated): gnomAD exomes below 0.00001.
gnomAD v4.1: 1 of 1,211,573 alleles (0.000083%); no homozygotes.

Submission:

Labcorp Genetics (formerly Invitae), Labcorp
Classification: Uncertain significance. Last evaluated: 2022-12-14. Review status: criteria provided, single submitter. Criteria: Invitae Variant Classification Sherloc (09022015). Collection method: clinical testing. Allele origin: germline.
Comment: This sequence change replaces arginine, which is basic and polar, with cysteine, which is neutral and slightly polar, at codon 503 of the MSN protein (p.Arg503Cys). This variant is not present in population databases (gnomAD no frequency). This variant has not been reported in the literature in individuals affected with MSN-related conditions. Algorithms developed to predict the effect of missense changes on protein structure and function are either unavailable or do not agree on the potential impact of this missense change (SIFT: "Deleterious"; PolyPhen-2: "Probably Damaging"; Align-GVGD: "Class C0"). In summary, the available evidence is currently insufficient to determine the role of this variant in disease. Therefore, it has been classified as a Variant of Uncertain Significance.